The following is an entry in ClinVar:

ClinVar aggregate classification (germline): Likely pathogenic (1 of 4 stars; one submission).

Conditions:
Cardiovascular phenotype. Identifiers: MedGen CN230736.

Submission:

Ambry Genetics
Classification: Likely pathogenic for Cardiovascular phenotype. Last evaluated: 2022-11-15. Review status: criteria provided, single submitter. Criteria: Ambry Variant Classification Scheme 2023. Collection method: clinical testing. Allele origin: germline.
Comment: The c.72664dupA variant, located in coding exon 182 of the TTN gene, results from a duplication of A at nucleotide position 72664, causing a translational frameshift with a predicted alternate stop codon (p.I24222Nfs*4). This exon is located in the A-band region of the N2-B isoform of the titin protein and is constitutively expressed in TTN transcripts (percent spliced in or PSI 100%). This variant is considered to be rare based on population cohorts in the Genome Aggregation Database (gnomAD). This alteration is expected to result in loss of function by premature protein truncation or nonsense-mediated mRNA decay. While truncating variants in TTN are present in 1-3% of the general population, truncating variants in the A-band are the most common cause of dilated cardiomyopathy (DCM) (Herman DS et al. N. Engl. J. Med., 2012 Feb;366:619-28; Roberts AM et al. Sci Transl Med, 2015 Jan;7:270ra6). TTN truncating variants encoded in constitutive exons (PSI >90%) have been found to be significantly associated with DCM regardless of their position in titin (Schafer S et al. Nat. Genet., 2017 01;49:46-53). Based on the majority of available evidence to date, this variant is likely to be pathogenic.

NM_001267550.2(TTN):c.99859dup (p.Ile33287fs)

Genes: TTN (titin; minus strand), TTN-AS1 (TTN antisense RNA 1; plus strand), LOC126806420 (BRD4-independent group 4 enhancer GRCh37_chr2:179401104-179402303; plus strand). Cytogenetic location: 2q31.2.
Variant type: Duplication.
Coding change: c.99859dup on transcript NM_001267550.2 (MANE Select); coding-DNA position 99859, one base duplicated (A; older notation c.99859dupA).
Protein change: p.Ile33287fs; shifts the reading frame from isoleucine 33287.
Molecular consequence: frameshift variant.
Genome position (GRCh38, 1-based): chr2:178,537,348, T duplicated on the plus strand (A on the coding strand, the reverse complement: TTN is on the minus strand); the first of 3 consecutive T bases (chr2:178,537,348-178,537,350); duplicating any one gives the same sequence. VCF-style (leftmost placement, unchanged base first): chr2-178537347-A-AT. GRCh37 (hg19) VCF-style: chr2-179402074-A-AT.
Other names: c.94936dup, p.Ile31646fs (NM_001256850.1); c.72664dup, p.Ile24222fs (NM_003319.4); c.92155dup, p.Ile30719fs (NM_133378.4); c.73039dup, p.Ile24347fs (NM_133432.3); c.73240dup, p.Ile24414fs (NM_133437.4); c.72664dupA (NM_003319.4); short protein forms I24347fs, I24222fs, I24414fs, I31646fs, I33287fs, I30719fs.
Identifiers: ClinVar variation 2451844 (VCV002451844.2), dbSNP rs2468668527, ClinGen allele CA2580064605.